The following is an entry in ClinVar:

ClinVar aggregate classification (germline): Uncertain significance (1 of 4 stars; one submission).

Conditions:
L-2-hydroxyglutaric aciduria (L2HGA). Identifiers: Orphanet 79314, MedGen C1855995, MONDO:0009370, OMIM 236792, HP:0040144.

Submission:

Labcorp Genetics (formerly Invitae), Labcorp
Classification: Uncertain significance for L-2-hydroxyglutaric aciduria. Last evaluated: 2026-01-05. Review status: criteria provided, single submitter. Criteria: Invitae Variant Classification Sherloc (09022015). Collection method: clinical testing. Allele origin: germline.
Comment: This sequence change replaces proline, which is neutral and non-polar, with serine, which is neutral and polar, at codon 276 of the L2HGDH protein (p.Pro276Ser). This variant is not present in population databases (gnomAD no frequency). This variant has not been reported in the literature in individuals affected with L2HGDH-related conditions. ClinVar contains an entry for this variant (Variation ID: 2107403). Invitae Evidence Modeling of protein sequence and biophysical properties (such as structural, functional, and spatial information, amino acid conservation, physicochemical variation, residue mobility, and thermodynamic stability) indicates that this missense variant is expected to disrupt L2HGDH protein function with a positive predictive value of 95%. In summary, the available evidence is currently insufficient to determine the role of this variant in disease. Therefore, it has been classified as a Variant of Uncertain Significance.

NM_024884.3(L2HGDH):c.826C>T (p.Pro276Ser)

Gene: L2HGDH (L-2-hydroxyglutarate dehydrogenase; minus strand). Cytogenetic location: 14q21.3.
Variant type: single nucleotide variant.
Coding change: c.826C>T on transcript NM_024884.3 (MANE Select); coding-DNA position 826, C replaced by T.
Protein change: p.Pro276Ser; replaces proline 276 with serine.
Molecular consequence: missense variant.
Genome position (GRCh38, 1-based): chr14:50,269,243, G>A on the plus strand (C>T on the coding strand, the complement: L2HGDH is on the minus strand). VCF-style: chr14-50269243-G-A. GRCh37 (hg19) VCF-style: chr14-50735961-G-A.
Other names: short protein forms P276S.
Identifiers: ClinVar variation 2107403 (VCV002107403.4), dbSNP rs2503518740, ClinGen allele CA389650449.